The following is an entry in ClinVar:

NM_001277115.2(DNAH11):c.4434C>T (p.His1478=)

Gene: DNAH11 (dynein axonemal heavy chain 11; plus strand). Cytogenetic location: 7p15.3.
Variant type: single nucleotide variant.
Coding change: c.4434C>T on transcript NM_001277115.2 (MANE Select); coding-DNA position 4434, C replaced by T.
Protein change: p.His1478=; no amino-acid change (histidine 1478 retained).
Molecular consequence: synonymous variant.
Genome position (GRCh38, 1-based): chr7:21,620,012, C>T. VCF-style: chr7-21620012-C-T. GRCh37 (hg19) VCF-style: chr7-21659630-C-T.
Identifiers: ClinVar variation 416423 (VCV000416423.40), dbSNP rs139082783, ClinGen allele CA4180044.
Genomic context (GRCh38, chr7:21,620,012, plus strand): 5'-CTAGGTTATTACTGAAATCAGTCAGACCTGGGCAACCATGAAGTTTTCTTACGAAGTTCA[C>T]TATCGAACAGGCATTCCATTACTAAAGTCTGATGAACAACTTTTTGAAACTCTAGAGCAC-3'
Protein context (NP_001264044.1, residues 1468-1488): WATMKFSYEV[His1478=]YRTGIPLLKS

ClinVar aggregate classification (germline): Benign/Likely benign. Review status: criteria provided, multiple submitters, no conflicts (2 of 4 stars). 5 submissions from 5 submitters: Benign (1); Likely benign (3). 1 of the submissions does not count toward it. Last evaluated 2026-01-14.

Conditions:
DNAH11-related disorder. Also called: DNAH11-related condition.
Primary ciliary dyskinesia. Also called: Ciliary dyskinesia. Identifiers: Orphanet 244, MedGen C0008780, MONDO:0016575, HP:0012265.

Allele frequency attached by ClinVar (database versions not stated): ExAC 0.00015; ESP Exome Variant Server 0.00051; gnomAD 0.00052; TOPMed 0.00054; 1000 Genomes Project 0.00080; 1000 Genomes Project 30x 0.00094; gnomAD exomes 0.00013.
gnomAD v4.1: 168 of 1,610,050 alleles (0.01%); highest among the groups gnomAD compares: African/African-American, 0.19%; no homozygotes.

Submissions (5):

Labcorp Genetics (formerly Invitae), Labcorp
Classification: Likely benign for Primary ciliary dyskinesia. Last evaluated: 2026-01-14. Review status: criteria provided, single submitter. Criteria: Invitae Variant Classification Sherloc (09022015). Collection method: clinical testing. Allele origin: germline.

CeGaT Center for Human Genetics Tuebingen
Classification: Likely benign. Last evaluated: 2023-05-01. Review status: criteria provided, single submitter. Criteria: CeGaT Center For Human Genetics Tuebingen Variant Classification Criteria Version 2. Collection method: clinical testing. Allele origin: germline. Affected: yes. Observed: 1 variant allele.
Comment: DNAH11: BP4

Blueprint Genetics
Classification: Likely benign. Last evaluated: 2023-03-09. Review status: criteria provided, single submitter. Criteria: ACMG Guidelines, 2015. Collection method: clinical testing. Allele origin: germline.

Ambry Genetics
Classification: Benign for Primary ciliary dyskinesia. Last evaluated: 2022-01-13. Review status: criteria provided, single submitter. Criteria: Ambry Variant Classification Scheme 2023. Collection method: clinical testing. Allele origin: germline.

PreventionGenetics, part of Exact Sciences
Classification: Likely benign for DNAH11-related condition. Last evaluated: 2021-11-13. Review status: no assertion criteria provided. Collection method: clinical testing. Allele origin: germline. Not counted in ClinVar's aggregate classification.
Comment: This variant is classified as likely benign based on ACMG/AMP sequence variant interpretation guidelines (Richards et al. 2015 PMID: 25741868, with internal and published modifications).